The following is an entry in ClinVar:

NM_022455.5(NSD1):c.1253dup (p.Leu418fs)

Gene: NSD1 (nuclear receptor binding SET domain protein 1; plus strand). Cytogenetic location: 5q35.3.
Variant type: Duplication.
Coding change: c.1253dup on transcript NM_022455.5 (MANE Select); coding-DNA position 1253, one base duplicated (T; older notation c.1253dupT).
Protein change: p.Leu418fs; shifts the reading frame from leucine 418.
Molecular consequence: frameshift variant.
Genome position (GRCh38, 1-based): chr5:177,209,652, T duplicated; the last of 4 consecutive T bases (chr5:177,209,649-177,209,652); duplicating any one gives the same sequence. VCF-style (leftmost placement, unchanged base first): chr5-177209648-A-AT. GRCh37 (hg19) VCF-style: chr5-176636649-A-AT.
Other names: c.380dup, p.Leu127fs (NM_001409307.1, NM_001409308.1, NM_001409309.1 and 3 more transcripts); c.1253dupT (NM_022455.4); c.1253dup, p.Leu418fs (NM_001409301.1, NM_001409302.1, NM_001409303.1); c.833dup, p.Leu278fs (NM_001409304.1); c.500dup, p.Leu167fs (NM_001409305.1); short protein forms L127fs, L167fs, L278fs, L418fs.
Identifiers: ClinVar variation 3377127 (VCV003377127.1).

ClinVar aggregate classification (germline): Pathogenic (1 of 4 stars; one submission).

Conditions:
Sotos syndrome (SOTOS). Also called: Sotos' syndrome; Distinctive facial appearance, overgrowth in childhood, and learning disabilities or delayed development; CEREBRAL GIGANTISM; CHROMOSOME 5q35 DELETION SYNDROME; SOTOS SYNDROME 1. Identifiers: Orphanet 821, MedGen C0175695, MONDO:0019349, OMIM 117550.

Submission:

Victorian Clinical Genetics Services, Murdoch Childrens Research Institute
Classification: Pathogenic for Sotos syndrome. Last evaluated: 2024-10-08. Review status: criteria provided, single submitter. Criteria: ACMG Guidelines, 2015. Collection method: clinical testing. Allele origin: germline. Inheritance: Autosomal dominant inheritance. Affected: yes.
Comment: Based on the classification scheme VCGS_Germline_v1.3.4, this variant is classified as Pathogenic. Following criteria are met: 0102 - Loss of function is a known mechanism of disease in this gene and is associated with Sotos syndrome (MIM#117550). (I) 0107 - This gene is associated with autosomal dominant disease. (I) 0201 - Variant is predicted to cause nonsense-mediated decay (NMD) and loss of protein (premature termination codon is located at least 54 nucleotides upstream of the final exon-exon junction). (SP) 0251 - This variant is heterozygous. (I) 0301 - Variant is absent from gnomAD (both v2 and v3). (SP) 0701 - Many other NMD-predicted variants comparable to the one identified in this case have very strong previous evidence for pathogenicity (DECIPHER). (SP) 0807 - This variant has no previous evidence of pathogenicity. (I) 0905 - No published segregation evidence has been identified for this variant. (I) 1007 - No published functional evidence has been identified for this variant. (I) 1208 - Inheritance information for this variant is not currently available in this individual. (I) Legend: (SP) - Supporting pathogenic, (I) - Information, (SB) - Supporting benign